The following is an entry in ClinVar:

ClinVar aggregate classification (germline): Uncertain significance (1 of 4 stars; one submission).

Conditions:
Hereditary cancer-predisposing syndrome. Also called: Tumor predisposition; Hereditary Cancer Syndrome; Hereditary neoplastic syndrome; Neoplastic Syndromes, Hereditary. Identifiers: Orphanet 140162, MedGen C0027672, MeSH D009386, MONDO:0015356.

Submission:

Ambry Genetics
Classification: Uncertain significance for Hereditary cancer-predisposing syndrome. Last evaluated: 2023-07-09. Review status: criteria provided, single submitter. Criteria: Ambry Variant Classification Scheme 2023. Collection method: clinical testing. Allele origin: germline.
Comment: The p.L539V variant (also known as c.1615C>G), located in coding exon 13 of the BAP1 gene, results from a C to G substitution at nucleotide position 1615. The leucine at codon 539 is replaced by valine, an amino acid with highly similar properties. This amino acid position is conserved. In addition, this alteration is predicted to be tolerated by in silico analysis. Since supporting evidence is limited at this time, the clinical significance of this alteration remains unclear.

NM_004656.4(BAP1):c.1615C>G (p.Leu539Val)

Gene: BAP1 (BRCA1 associated deubiquitinase 1; minus strand). Cytogenetic location: 3p21.1.
Variant type: single nucleotide variant.
Coding change: c.1615C>G on transcript NM_004656.4 (MANE Select); coding-DNA position 1615, C replaced by G.
Protein change: p.Leu539Val; replaces leucine 539 with valine.
Molecular consequence: missense variant.
Genome position (GRCh38, 1-based): chr3:52,403,530, G>C on the plus strand (C>G on the coding strand, the complement: BAP1 is on the minus strand). VCF-style: chr3-52403530-G-C. GRCh37 (hg19) VCF-style: chr3-52437546-G-C.
Other names: c.1561C>G, p.Leu521Val (NM_001410772.1); short protein forms L521V, L539V.
Identifiers: ClinVar variation 2626737 (VCV002626737.2), dbSNP rs2153226637, ClinGen allele CA353100293.